The following is an entry in ClinVar:

NM_004092.4(ECHS1):c.768T>G (p.Ser256Arg)

Gene: ECHS1 (enoyl-CoA hydratase, short chain 1; minus strand). Cytogenetic location: 10q26.3.
Variant type: single nucleotide variant.
Coding change: c.768T>G on transcript NM_004092.4 (MANE Select); coding-DNA position 768, T replaced by G.
Protein change: p.Ser256Arg; replaces serine 256 with arginine.
Molecular consequence: missense variant.
Genome position (GRCh38, 1-based): chr10:133,364,697, A>C on the plus strand (T>G on the coding strand, the complement: ECHS1 is on the minus strand). VCF-style: chr10-133364697-A-C. GRCh37 (hg19) VCF-style: chr10-135178201-A-C.
Other names: short protein forms S256R.
Identifiers: ClinVar variation 1495331 (VCV001495331.6), dbSNP rs2133438742, ClinGen allele CA378817760.
Genomic context (GRCh38, chr10:133,364,697, plus strand): 5'-GGTTGAACACTGTTTACTCACAGTGGCAAAGGTTGAATAAAAGAGTTTCTTCTCCAACTT[A>C]CTTCCTTCTGTTAATGTCATTTCAAAAGCTGAAAAACAAAGTCCCAGAGTTATGAACGGA-3'
Protein context (NP_004083.3, residues 246-266): AAFEMTLTEG[Ser256Arg]KLEKKLFYST

ClinVar aggregate classification (germline): Uncertain significance (1 of 4 stars; one submission).

Submission:

Labcorp Genetics (formerly Invitae), Labcorp
Classification: Uncertain significance. Last evaluated: 2021-11-22. Review status: criteria provided, single submitter. Criteria: Invitae Variant Classification Sherloc (09022015). Collection method: clinical testing. Allele origin: germline.
Comment: This sequence change replaces serine, which is neutral and polar, with arginine, which is basic and polar, at codon 256 of the ECHS1 protein (p.Ser256Arg). This variant is not present in population databases (gnomAD no frequency). This variant has not been reported in the literature in individuals affected with ECHS1-related conditions. Advanced modeling of protein sequence and biophysical properties (such as structural, functional, and spatial information, amino acid conservation, physicochemical variation, residue mobility, and thermodynamic stability) performed at Invitae indicates that this missense variant is not expected to disrupt ECHS1 protein function. In summary, the available evidence is currently insufficient to determine the role of this variant in disease. Therefore, it has been classified as a Variant of Uncertain Significance.